The following is an entry in ClinVar:

ClinVar aggregate classification (germline): Uncertain significance. Review status: criteria provided, multiple submitters, no conflicts (2 of 4 stars). 2 submissions from 2 submitters: Uncertain significance (2). Last evaluated 2025-02-02.

Conditions:
Familial cancer of breast. Also called: hereditary breast carcinoma; BREAST CANCER, FAMILIAL; Hereditary breast cancer. Identifiers: Orphanet 227535, MedGen C0346153, MONDO:0016419, OMIM 114480. Disease mechanism: loss of function.
Fanconi anemia complementation group J. Also called: BRIP1-Related Fanconi Anemia. Identifiers: Orphanet 84, MedGen C1836860, MONDO:0012187, OMIM 609054.
Hereditary cancer-predisposing syndrome. Also called: Tumor predisposition; Hereditary neoplastic syndrome; Neoplastic Syndromes, Hereditary; Hereditary Cancer Syndrome. Identifiers: Orphanet 140162, MedGen C0027672, MeSH D009386, MONDO:0015356.

Submissions (2):

Ambry Genetics
Classification: Uncertain significance for Hereditary cancer-predisposing syndrome. Last evaluated: 2025-02-02. Review status: criteria provided, single submitter. Criteria: Ambry Variant Classification Scheme 2023. Collection method: clinical testing. Allele origin: germline.
Comment: The p.T992I variant (also known as c.2975C>T), located in coding exon 19 of the BRIP1 gene, results from a C to T substitution at nucleotide position 2975. The threonine at codon 992 is replaced by isoleucine, an amino acid with similar properties. This amino acid position is conserved. In addition, this alteration is predicted to be tolerated by in silico analysis. Based on the available evidence, the clinical significance of this variant remains unclear.

Labcorp Genetics (formerly Invitae), Labcorp
Classification: Uncertain significance for Familial cancer of breast; Fanconi anemia complementation group J. Last evaluated: 2024-12-18. Review status: criteria provided, single submitter. Criteria: Invitae Variant Classification Sherloc (09022015). Collection method: clinical testing. Allele origin: germline.
Comment: This sequence change replaces threonine, which is neutral and polar, with isoleucine, which is neutral and non-polar, at codon 992 of the BRIP1 protein (p.Thr992Ile). This variant is not present in population databases (gnomAD no frequency). This variant has not been reported in the literature in individuals affected with BRIP1-related conditions. ClinVar contains an entry for this variant (Variation ID: 937236). Invitae Evidence Modeling of protein sequence and biophysical properties (such as structural, functional, and spatial information, amino acid conservation, physicochemical variation, residue mobility, and thermodynamic stability) indicates that this missense variant is not expected to disrupt BRIP1 protein function with a negative predictive value of 95%. In summary, the available evidence is currently insufficient to determine the role of this variant in disease. Therefore, it has been classified as a Variant of Uncertain Significance.

NM_032043.3(BRIP1):c.2975C>T (p.Thr992Ile)

Gene: BRIP1 (BRCA1 interacting DNA helicase 1; minus strand). Cytogenetic location: 17q23.2.
Variant type: single nucleotide variant.
Coding change: c.2975C>T on transcript NM_032043.3 (MANE Select); coding-DNA position 2975, C replaced by T.
Protein change: p.Thr992Ile; replaces threonine 992 with isoleucine.
Molecular consequence: missense variant.
Genome position (GRCh38, 1-based): chr17:61,684,071, G>A on the plus strand (C>T on the coding strand, the complement: BRIP1 is on the minus strand). VCF-style: chr17-61684071-G-A. GRCh37 (hg19) VCF-style: chr17-59761432-G-A.
Other names: short protein forms T992I.
Identifiers: ClinVar variation 937236 (VCV000937236.11), dbSNP rs2061324557, ClinGen allele CA400480626.